The following is an entry in ClinVar:

ClinVar aggregate classification (germline): Likely pathogenic (0 of 4 stars; one submission).

Conditions:
TPO-related disorder. Also called: TPO-related condition.

Submission:

PreventionGenetics, part of Exact Sciences
Classification: Likely pathogenic for TPO-related condition. Last evaluated: 2024-03-01. Review status: no assertion criteria provided. Collection method: clinical testing. Allele origin: germline.
Comment: The TPO c.1045_1054delinsT variant is predicted to result in an in-frame deletion and insertion. To our knowledge, this variant has not been reported in the literature or in a large population database, indicating this variant is rare. At PreventionGenetics, we have observed this variant in the compound heterozygous state with a likely pathogenic variant in two related individuals with features consistent with thyroid dyshormonogenesis 2A. Taken together, we interpret this variant as likely pathogenic

NM_001206744.2(TPO):c.1045_1054delinsT (p.Leu349_Val352delinsPhe)

Gene: TPO (thyroid peroxidase; plus strand). Cytogenetic location: 2p25.3.
Variant type: Indel.
Coding change: c.1045_1054delinsT on transcript NM_001206744.2 (MANE Select); coding-DNA positions 1045 to 1054, CTGCTCCGCG replaced by T.
Protein change: p.Leu349_Val352delinsPhe.
Molecular consequence: inframe indel. On other transcripts: intron variant (1).
Genome position (GRCh38, 1-based): chr2:1,477,311-1,477,320, CTGCTCCGCG replaced by T. VCF-style: chr2-1477311-CTGCTCCGCG-T. GRCh37 (hg19) VCF-style: chr2-1481083-CTGCTCCGCG-T.
Other names: c.1045_1054delinsT, p.Leu349_Val352delinsPhe (NM_000547.6, NM_001206745.2, NM_175719.4 and 1 more transcripts); c.820-7285_820-7276delinsT (NM_175722.3).
Identifiers: ClinVar variation 2633991 (VCV002633991.3), dbSNP rs2546096706, ClinGen allele CA2695200415.